The following is an entry in ClinVar:

ClinVar aggregate classification (germline): Uncertain significance (1 of 4 stars; one submission).

Allele frequency attached by ClinVar (database versions not stated): TOPMed below 0.00001; gnomAD 0.00001.
gnomAD v4.1: 1 of 1,613,820 alleles (0.000062%); highest among the groups gnomAD compares: Admixed American, 0.0017%; no homozygotes.

Submission:

Labcorp Genetics (formerly Invitae), Labcorp
Classification: Uncertain significance. Last evaluated: 2021-07-07. Review status: criteria provided, single submitter. Criteria: Invitae Variant Classification Sherloc (09022015). Collection method: clinical testing. Allele origin: germline.
Comment: This variant has not been reported in the literature in individuals with PCDH15-related conditions. This variant is not present in population databases (ExAC no frequency). This sequence change replaces threonine with serine at codon 804 of the PCDH15 protein (p.Thr804Ser). The threonine residue is highly conserved and there is a small physicochemical difference between threonine and serine. Algorithms developed to predict the effect of missense changes on protein structure and function are either unavailable or do not agree on the potential impact of this missense change (SIFT: "Tolerated"; PolyPhen-2: "Possibly Damaging"; Align-GVGD: "Class C0"). In summary, the available evidence is currently insufficient to determine the role of this variant in disease. Therefore, it has been classified as a Variant of Uncertain Significance.

NM_001384140.1(PCDH15):c.2410A>T (p.Thr804Ser)

Gene: PCDH15 (protocadherin related 15; minus strand). Cytogenetic location: 10q21.1.
Variant type: single nucleotide variant.
Coding change: c.2410A>T on transcript NM_001384140.1 (MANE Select); coding-DNA position 2410, A replaced by T.
Protein change: p.Thr804Ser; replaces threonine 804 with serine.
Molecular consequence: missense variant.
Genome position (GRCh38, 1-based): chr10:54,023,008, T>A on the plus strand (A>T on the coding strand, the complement: PCDH15 is on the minus strand). VCF-style: chr10-54023008-T-A. GRCh37 (hg19) VCF-style: chr10-55782768-T-A.
Other names: c.2425A>T, p.Thr809Ser (NM_001142763.2, NM_001142771.2); c.2410A>T, p.Thr804Ser (NM_001142764.2, NM_001142766.2, NM_001142770.3 and 5 more transcripts); c.2197A>T, p.Thr733Ser (NM_001142765.2); c.2299A>T, p.Thr767Ser (NM_001142767.2); c.2344A>T, p.Thr782Ser (NM_001142768.2, NM_001142773.2, NM_001354404.2); c.2446A>T, p.Thr816Ser (NM_001142769.4); c.2431A>T, p.Thr811Ser (NM_001354411.2); short protein forms T767S, T782S, T804S, T733S, T809S, T811S, T816S.
Identifiers: ClinVar variation 1398848 (VCV001398848.8), dbSNP rs2092971839, ClinGen allele CA376523377.